The following is an entry in ClinVar:

NM_001267550.2(TTN):c.95723-2A>C

Genes: TTN (titin; minus strand), TTN-AS1 (TTN antisense RNA 1; plus strand). Cytogenetic location: 2q31.2.
Variant type: single nucleotide variant.
Coding change: c.95723-2A>C on transcript NM_001267550.2 (MANE Select); the canonical splice acceptor site of the intron before coding-DNA position 95723, A replaced by C.
Molecular consequence: splice acceptor variant.
Genome position (GRCh38, 1-based): chr2:178,544,508, T>G on the plus strand (A>C on the coding strand, the complement: TTN is on the minus strand). VCF-style: chr2-178544508-T-G. GRCh37 (hg19) VCF-style: chr2-179409235-T-G.
Other names: c.68528-2A>C (NM_003319.4); c.69104-2A>C (NM_133437.4); c.68903-2A>C (NM_133432.3); c.88019-2A>C (NM_133378.4); c.90800-2A>C (NM_001256850.1).
Identifiers: ClinVar variation 1067068 (VCV001067068.10), dbSNP rs2154144335, ClinGen allele CA349458535.

ClinVar aggregate classification (germline): Likely pathogenic. Review status: criteria provided, multiple submitters, no conflicts (2 of 4 stars). 2 submissions from 2 submitters: Likely pathogenic (2). Last evaluated 2023-12-06.

Conditions:
Cardiovascular phenotype. Identifiers: MedGen CN230736.
Dilated cardiomyopathy 1G (CMD1G). Identifiers: Orphanet 154, MedGen C1858763, MONDO:0011400, OMIM 604145.
Autosomal recessive limb-girdle muscular dystrophy type 2J (LGMDR10). Also called: Limb-girdle muscular dystrophy, type 2J; MUSCULAR DYSTROPHY, LIMB-GIRDLE, AUTOSOMAL RECESSIVE 10. Identifiers: Orphanet 140922, MedGen C1837342, MONDO:0012127, OMIM 608807.

Submissions (2):

Ambry Genetics
Classification: Likely pathogenic for Cardiovascular phenotype. Last evaluated: 2023-12-06. Review status: criteria provided, single submitter. Criteria: Ambry Variant Classification Scheme 2023. Collection method: clinical testing. Allele origin: germline.
Comment: The c.68528-2A>C intronic alteration consists of a A to C substitution two nucleotides before Intron 171 of the TTN gene. Exon 172 is located in the A-band region of the N2-B isoform of the titin protein and is constitutively expressed in TTN transcripts (percent spliced in or PSI 100%). This alteration disrupts the canonical splice site and is expected to cause aberrant splicing, resulting in an abnormal protein or a transcript that is subject to nonsense-mediated mRNA decay. This variant was not reported in population-based cohorts in the Genome Aggregation Database (gnomAD). This nucleotide position is highly conserved in available vertebrate species. In silico splice site analysis predicts that this alteration will weaken the native splice acceptor site. Based on the available evidence, this alteration is classified as likely pathogenic.

Labcorp Genetics (formerly Invitae), Labcorp
Classification: Likely pathogenic for Dilated cardiomyopathy 1G; Autosomal recessive limb-girdle muscular dystrophy type 2J. Last evaluated: 2022-11-01. Review status: criteria provided, single submitter. Criteria: Invitae Variant Classification Sherloc (09022015). Collection method: clinical testing. Allele origin: germline.
Comment: This sequence change affects an acceptor splice site in intron 344 of the TTN gene. It is expected to disrupt RNA splicing and likely results in a truncated or disrupted TTN protein. This variant is not present in population databases (gnomAD no frequency). This variant has not been reported in the literature in individuals affected with TTN-related conditions. ClinVar contains an entry for this variant (Variation ID: 1067068). Algorithms developed to predict the effect of sequence changes on RNA splicing suggest that this variant may disrupt the consensus splice site. This variant is located in the A band of TTN (PMID: 25589632). Truncating variants in this region are significantly overrepresented in patients affected with dilated cardiomyopathy (PMID: 25589632). Truncating variants in this region have also been reported in individuals affected with autosomal recessive centronuclear myopathy (PMID: 23975875). In summary, the currently available evidence indicates that the variant is pathogenic, but additional data are needed to prove that conclusively. Therefore, this variant has been classified as Likely Pathogenic.

Literature cited by the submitters: PubMed 22335739 (cited by Ambry Genetics); PubMed 25589632 (cited by Ambry Genetics and Labcorp Genetics (formerly Invitae), Labcorp); PubMed 27869827 (cited by Ambry Genetics); PubMed 23975875 (cited by Labcorp Genetics (formerly Invitae), Labcorp).